The following is an entry in ClinVar:

NM_030773.4(TUBB1):c.62G>A (p.Trp21Ter)

Gene: TUBB1 (tubulin beta 1 class VI; plus strand). Cytogenetic location: 20q13.32.
Variant type: single nucleotide variant.
Coding change: c.62G>A on transcript NM_030773.4 (MANE Select); coding-DNA position 62, G replaced by A.
Protein change: p.Trp21Ter; replaces tryptophan 21 with a stop codon.
Molecular consequence: nonsense.
Genome position (GRCh38, 1-based): chr20:59,022,849, G>A. VCF-style: chr20-59022849-G-A. GRCh37 (hg19) VCF-style: chr20-57597904-G-A.
Other names: p.Trp21*; short protein forms W21*.
Identifiers: ClinVar variation 4542392 (VCV004542392.1).

ClinVar aggregate classification (germline): Likely pathogenic (1 of 4 stars; one submission).

gnomAD v4.1: 2 of 1,614,062 alleles (0.00012%); highest among the groups gnomAD compares: South Asian, 0.0011%; no homozygotes.

Submission:

Mayo Clinic Laboratories, Mayo Clinic
Classification: Likely pathogenic. Last evaluated: 2025-07-25. Review status: criteria provided, single submitter. Criteria: ACMG Guidelines, 2015. Collection method: clinical testing. Allele origin: germline. Observed: 1 variant allele.
Comment: PM2_supporting, PVS1